The following is an entry in ClinVar:

NM_001040108.2(MLH3):c.2280A>G (p.Gln760=)

Gene: MLH3 (mutL homolog 3; minus strand). Cytogenetic location: 14q24.3.
Variant type: single nucleotide variant.
Coding change: c.2280A>G on transcript NM_001040108.2 (MANE Select); coding-DNA position 2280, A replaced by G.
Protein change: p.Gln760=; no amino-acid change (glutamine 760 retained).
Molecular consequence: synonymous variant.
Genome position (GRCh38, 1-based): chr14:75,047,376, T>C on the plus strand (A>G on the coding strand, the complement: MLH3 is on the minus strand). VCF-style: chr14-75047376-T-C. GRCh37 (hg19) VCF-style: chr14-75514079-T-C.
Other names: c.2280A>G, p.Gln760= (NM_014381.3).
Identifiers: ClinVar variation 1347683 (VCV001347683.11), dbSNP rs1892316286, ClinGen allele CA487273127.

ClinVar aggregate classification (germline): Benign/Likely benign. Review status: criteria provided, multiple submitters, no conflicts (2 of 4 stars). 3 submissions from 3 submitters: Benign (1); Likely benign (2). Last evaluated 2026-05-04.

Conditions:
Colorectal cancer, hereditary nonpolyposis, type 7. Identifiers: Orphanet 144, MedGen C1858380, MONDO:0013725, OMIM 614385.

Allele frequency attached by ClinVar (database versions not stated): TOPMed 0.00001; gnomAD exomes below 0.00001.
gnomAD v4.1: 2 of 1,614,144 alleles (0.00012%); highest among the groups gnomAD compares: Non-Finnish European, 0.00017%; no homozygotes.

Submissions (3):

Myriad Genetics, Inc.
Classification: Benign for Colorectal cancer, hereditary nonpolyposis, type 7. Last evaluated: 2026-05-04. Review status: criteria provided, single submitter. Criteria: Myriad Autosomal Dominant, Autosomal Recessive and X-Linked Classification Criteria (2023). Collection method: clinical testing. Allele origin: unknown.
Comment: This variant is considered benign. This variant is a silent/synonymous amino acid change and it is not expected to impact splicing.

Labcorp Genetics (formerly Invitae), Labcorp
Classification: Likely benign for Colorectal cancer, hereditary nonpolyposis, type 7. Last evaluated: 2024-02-20. Review status: criteria provided, single submitter. Criteria: Invitae Variant Classification Sherloc (09022015). Collection method: clinical testing. Allele origin: germline.

Ambry Genetics
Classification: Likely benign. Last evaluated: 2020-01-31. Review status: criteria provided, single submitter. Criteria: Ambry Variant Classification Scheme 2023. Collection method: clinical testing. Allele origin: germline.